The following is an entry in ClinVar:

NM_000562.3(C8A):c.1222+4A>G

Gene: C8A (complement C8 alpha chain; plus strand). Cytogenetic location: 1p32.2.
Variant type: single nucleotide variant.
Coding change: c.1222+4A>G on transcript NM_000562.3 (MANE Select); 4 bases into the intron after coding-DNA position 1222, A replaced by G.
Molecular consequence: intron variant.
Genome position (GRCh38, 1-based): chr1:56,906,796, A>G. VCF-style: chr1-56906796-A-G. GRCh37 (hg19) VCF-style: chr1-57372469-A-G.
Identifiers: ClinVar variation 1482199 (VCV001482199.6), dbSNP rs1644470008, ClinGen allele CA1168764388.

ClinVar aggregate classification (germline): Uncertain significance (1 of 4 stars; one submission).

gnomAD v4.1: 3 of 1,614,088 alleles (0.00019%); no homozygotes.

Submission:

Labcorp Genetics (formerly Invitae), Labcorp
Classification: Uncertain significance. Last evaluated: 2022-08-23. Review status: criteria provided, single submitter. Criteria: Invitae Variant Classification Sherloc (09022015). Collection method: clinical testing. Allele origin: germline.
Comment: This sequence change falls in intron 8 of the C8A gene. It does not directly change the encoded amino acid sequence of the C8A protein. It affects a nucleotide within the consensus splice site. This variant is not present in population databases (gnomAD no frequency). This variant has not been reported in the literature in individuals affected with C8A-related conditions. ClinVar contains an entry for this variant (Variation ID: 1482199). Variants that disrupt the consensus splice site are a relatively common cause of aberrant splicing (PMID: 17576681, 9536098). Algorithms developed to predict the effect of sequence changes on RNA splicing suggest that this variant may disrupt the consensus splice site. In summary, the available evidence is currently insufficient to determine the role of this variant in disease. Therefore, it has been classified as a Variant of Uncertain Significance.

Literature cited by the submitters: PubMed 17576681; PubMed 9536098.